The following is an entry in ClinVar:

NM_182493.3(MYLK3):c.1866G>C (p.Glu622Asp)

Gene: MYLK3 (myosin light chain kinase 3; minus strand). Cytogenetic location: 16q11.2.
Variant type: single nucleotide variant.
Coding change: c.1866G>C on transcript NM_182493.3 (MANE Select); coding-DNA position 1866, G replaced by C.
Protein change: p.Glu622Asp; replaces glutamic acid 622 with aspartic acid.
Molecular consequence: missense variant.
Genome position (GRCh38, 1-based): chr16:46,727,284, C>G on the plus strand (G>C on the coding strand, the complement: MYLK3 is on the minus strand). VCF-style: chr16-46727284-C-G. GRCh37 (hg19) VCF-style: chr16-46761196-C-G.
Other names: c.843G>C, p.Glu281Asp (NM_001308301.1); short protein forms E281D, E622D.
Identifiers: ClinVar variation 1353666 (VCV001353666.8), dbSNP rs1012451421, ClinGen allele CA395789781.

ClinVar aggregate classification (germline): Uncertain significance (1 of 4 stars; one submission).

Submission:

Labcorp Genetics (formerly Invitae), Labcorp
Classification: Uncertain significance. Last evaluated: 2022-07-05. Review status: criteria provided, single submitter. Criteria: Invitae Variant Classification Sherloc (09022015). Collection method: clinical testing. Allele origin: germline.
Comment: In summary, the available evidence is currently insufficient to determine the role of this variant in disease. Therefore, it has been classified as a Variant of Uncertain Significance. Algorithms developed to predict the effect of missense changes on protein structure and function are either unavailable or do not agree on the potential impact of this missense change (SIFT: "Tolerated"; PolyPhen-2: "Probably Damaging"; Align-GVGD: "Class C0"). ClinVar contains an entry for this variant (Variation ID: 1353666). This variant has not been reported in the literature in individuals affected with MYLK3-related conditions. This variant is not present in population databases (gnomAD no frequency). This sequence change replaces glutamic acid, which is acidic and polar, with aspartic acid, which is acidic and polar, at codon 622 of the MYLK3 protein (p.Glu622Asp).